The following is an entry in ClinVar:

ClinVar aggregate classification (germline): Likely benign (1 of 4 stars; one submission).

Allele frequency attached by ClinVar (database versions not stated): gnomAD exomes below 0.00001; ExAC 0.00004; 1000 Genomes Project 30x 0.00016; 1000 Genomes Project 0.00020.
gnomAD v4.1: 4 of 1,613,928 alleles (0.00025%); highest among the groups gnomAD compares: South Asian, 0.0044%; 1 homozygote.

Submission:

CeGaT Center for Human Genetics Tuebingen
Classification: Likely benign. Last evaluated: 2023-01-01. Review status: criteria provided, single submitter. Criteria: CeGaT Center For Human Genetics Tuebingen Variant Classification Criteria Version 2. Collection method: clinical testing. Allele origin: germline. Affected: yes. Observed: 1 variant allele.
Comment: GABRA5: BP4, BP7

NM_000810.4(GABRA5):c.228G>A (p.Arg76=)

Gene: GABRA5 (gamma-aminobutyric acid type A receptor subunit alpha5; plus strand). Cytogenetic location: 15q12.
Variant type: single nucleotide variant.
Coding change: c.228G>A on transcript NM_000810.4 (MANE Select); coding-DNA position 228, G replaced by A.
Protein change: p.Arg76=; no amino-acid change (arginine 76 retained).
Molecular consequence: synonymous variant.
Genome position (GRCh38, 1-based): chr15:26,883,185, G>A. VCF-style: chr15-26883185-G-A. GRCh37 (hg19) VCF-style: chr15-27128332-G-A.
Other names: c.228G>A, p.Arg76= (NM_001165037.2).
Identifiers: ClinVar variation 2645024 (VCV002645024.24), dbSNP rs527687461, ClinGen allele CA7437744.
Genomic context (GRCh38, chr15:26,883,185, plus strand): 5'-GGTGGGTCGGTGCAGCCCAGGGACCTGTGTCTGTCTTTCAGAGCGCATCACTCAGGTGAG[G>A]ACCGACATCTACGTCACCAGCTTCGGCCCGGTGTCCGACACGGAAATGGTAGGTCCCGGG-3'
Protein context (NP_000801.1, residues 66-86): PGLGERITQV[Arg76=]TDIYVTSFGP